The following continues an entry in ClinVar:

NM_000070.3(CAPN3):c.1466G>A (p.Arg489Gln)

Gene: CAPN3. ClinVar aggregate classification (germline): Pathogenic. Pathogenic (1).

Submissions 10 to 21 of 21:

Clinical Omics and Informatics (COIN) Unit, Neuroscience Institute, University Of Cape Town
Classification: Likely pathogenic for Autosomal recessive limb-girdle muscular dystrophy type 2A. Last evaluated: 2024-05-22. Review status: criteria provided, single submitter. Criteria: ACMG Guidelines, 2015. Collection method: research. Allele origin: germline. Inheritance: Autosomal recessive inheritance. Affected: yes. Observed: 1 variant allele, 1 compound heterozygote. Not counted in ClinVar's aggregate classification.
Comment: PM2_Supporting: the highest population allele frequency in gnomAD v4.0 is 0.0006577 (0.06577%; 4/6082 alleles in Middle Eastern population) and there are no homozygous observations. PM1 not met: pathogenic variants are distributed throughout the protein. PP3_moderate: REVEL score is 0.881. PM3 Met: 1.75 points awarded for 4 proband compound heterozygous occurrences of variant (not confirmed in trans) (PMID: 30919934, 14578192). PM5 met: Other variants that disrupt this Arg residue known to be pathogenic (PMID: 9762961, 16141003, 25135358, 27708273). PS3_Supporting: Functional studies show CAPN3 Arg489Gln variant results in loss of normal autocatalytic calpain-3 activity (PMID:14578192) and a shorter CAPN3 transcript due to predicted exon skipping by minigene assay (PMID:32668095). PS4_Supporting: Variant identified in 3 probands with consistent phenotype for disorder (PMID: 10330340, 31931849). Sequencing funded by the International Centre for Genomic Medicine in Neuromuscular Diseases (ICGNMD).

Fulgent Genetics
Classification: Pathogenic for Autosomal recessive limb-girdle muscular dystrophy type 2A; Muscular dystrophy, limb-girdle, autosomal dominant 4. Last evaluated: 2024-04-26. Review status: criteria provided, single submitter. Criteria: ACMG Guidelines, 2015. Collection method: clinical testing. Allele origin: germline. Not counted in ClinVar's aggregate classification.

Genomic Medicine Center of Excellence, King Faisal Specialist Hospital and Research Centre
Classification: Pathogenic for Autosomal recessive limb-girdle muscular dystrophy type 2A. Last evaluated: 2024-03-26. Review status: criteria provided, single submitter. Criteria: ACMG Guidelines, 2015. Collection method: clinical testing. Allele origin: germline. Not counted in ClinVar's aggregate classification.

Baylor Genetics
Classification: Pathogenic for Muscular dystrophy, limb-girdle, autosomal dominant 4. Last evaluated: 2024-03-15. Review status: criteria provided, single submitter. Criteria: ACMG Guidelines, 2015. Collection method: clinical testing. Allele origin: unknown. Not counted in ClinVar's aggregate classification.

Women's Health and Genetics/Laboratory Corporation of America, LabCorp
Classification: Pathogenic for Autosomal recessive limb-girdle muscular dystrophy. Last evaluated: 2022-12-11. Review status: criteria provided, single submitter. Criteria: LabCorp Variant Classification Summary - May 2015. Collection method: clinical testing. Allele origin: germline. Not counted in ClinVar's aggregate classification.
Comment: Variant summary: CAPN3 c.1466G>A (p.Arg489Gln) results in a conservative amino acid change located in the Peptidase C2, calpain, large subunit, domain III (IPR022682) of the encoded protein sequence. Four of five in-silico tools predict a damaging effect of the variant on protein function. The variant allele was found at a frequency of 5.6e-05 in 251278 control chromosomes. This frequency is not significantly higher than estimated for a pathogenic variant in CAPN3 causing Limb-Girdle Muscular Dystrophy, Autosomal Recessive (5.6e-05 vs 0.0032), allowing no conclusion about variant significance. c.1466G>A has been reported in the literature in multiple individuals affected with Limb-Girdle Muscular Dystrophy, Autosomal Recessive (example, Milic_2007, Bevilacqua_2020). These data indicate that the variant is very likely to be associated with disease. To our knowledge, no experimental evidence demonstrating an impact on protein function has been reported. Eight clinical diagnostic laboratories have submitted clinical-significance assessments for this variant to ClinVar after 2014 without evidence for independent evaluation. All laboratories classified the variant as pathogenic/likely pathogenic. Based on the evidence outlined above, the variant was classified as pathogenic.

Clinical Genetics Laboratory, Skane University Hospital Lund
Classification: Pathogenic. Last evaluated: 2022-07-13. Review status: criteria provided, single submitter. Criteria: ACMG Guidelines, 2015. Collection method: clinical testing. Allele origin: germline. Affected: yes. Not counted in ClinVar's aggregate classification.

CeGaT Center for Human Genetics Tuebingen
Classification: Pathogenic. Last evaluated: 2018-05-01. Review status: criteria provided, single submitter. Criteria: CeGaT Center For Human Genetics Tuebingen Variant Classification Criteria Version 2. Collection method: clinical testing. Allele origin: germline. Affected: yes. Observed: 1 variant allele. Not counted in ClinVar's aggregate classification.

Eurofins Ntd Llc (ga)
Classification: Pathogenic. Last evaluated: 2018-02-09. Review status: criteria provided, single submitter. Criteria: EGL ClinVar v180209 classification definitions. Collection method: clinical testing. Allele origin: germline. Observed: 6 variant alleles, 6 heterozygotes. Not counted in ClinVar's aggregate classification.

Athena Diagnostics
Classification: Pathogenic. Last evaluated: 2017-04-28. Review status: criteria provided, single submitter. Criteria: Athena Diagnostics Criteria. Collection method: clinical testing. Allele origin: germline. Not counted in ClinVar's aggregate classification.

Juno Genomics, Hangzhou Juno Genomics, Inc
Classification: Pathogenic for Autosomal recessive limb-girdle muscular dystrophy type 2A. Review status: criteria provided, single submitter. Criteria: ACMG Guidelines, 2015. Collection method: clinical testing. Allele origin: germline. Not counted in ClinVar's aggregate classification.
Comment: Absent from controls (or at extremely low frequency if recessive) in Genome Aggregation Database.;Multiple lines of computational evidence support a deleterious effect on the gene or gene product.;For recessive disorders, detected in trans with a pathogenic variant.;Patient's phenotype or family history is highly specific for a disease with a single genetic etiology.;Novel missense change at an amino acid residue where a different missense change determined to be pathogenic has been seen before.

Counsyl
Classification: Likely pathogenic for Autosomal recessive limb-girdle muscular dystrophy type 2A. Last evaluated: 2018-03-15. Review status: no assertion criteria provided. Collection method: clinical testing. Allele origin: unknown. Not counted in ClinVar's aggregate classification.

GeneReviews
No classification provided. Condition: Autosomal recessive limb-girdle muscular dystrophy type 2A. Review status: no classification provided. Collection method: literature only. Allele origin: germline. Not counted in ClinVar's aggregate classification.

Literature cited by the submitters: PubMed 14578192 (cited by 6 submitters); PubMed 17994539 (cited by 3 submitters); PubMed 30919934 (cited by 4 submitters); PubMed 17236769 (cited by 3 submitters); PubMed 9762961 (cited by Labcorp Genetics (formerly Invitae), Labcorp and Clinical Omics and Informatics (COIN) Unit, Neuroscience Institute, University Of Cape Town); PubMed 16141003 (cited by Labcorp Genetics (formerly Invitae), Labcorp and Clinical Omics and Informatics (COIN) Unit, Neuroscience Institute, University Of Cape Town); PubMed 25135358 (cited by Labcorp Genetics (formerly Invitae), Labcorp and Clinical Omics and Informatics (COIN) Unit, Neuroscience Institute, University Of Cape Town); PubMed 27708273 (cited by Labcorp Genetics (formerly Invitae), Labcorp and Clinical Omics and Informatics (COIN) Unit, Neuroscience Institute, University Of Cape Town); PubMed 39678382 (cited by Variantyx, Inc.); PubMed 37712079 (cited by Clinical Omics and Informatics (COIN) Unit, Neuroscience Institute, University Of Cape Town); PubMed 32668095 (cited by Clinical Omics and Informatics (COIN) Unit, Neuroscience Institute, University Of Cape Town); PubMed 10330340 (cited by 3 submitters); PubMed 31931849 (cited by Clinical Omics and Informatics (COIN) Unit, Neuroscience Institute, University Of Cape Town and Women's Health and Genetics/Laboratory Corporation of America, LabCorp); PubMed 15221789 (cited by Athena Diagnostics); PubMed 16971480 (cited by Athena Diagnostics); PubMed 18854869 (cited by Athena Diagnostics); PubMed 27558075 (cited by Athena Diagnostics); PubMed 15689361 (cited by Counsyl); NCBI Bookshelf NBK1313 (cited by GeneReviews).